The following is an entry in ClinVar:

ClinVar aggregate classification (germline): Uncertain significance. Review status: criteria provided, multiple submitters, no conflicts (2 of 4 stars). 2 submissions from 2 submitters: Uncertain significance (2). Last evaluated 2022-06-26.

Conditions:
Inborn genetic diseases. Identifiers: MedGen C0950123, MeSH D030342.
MOGS-congenital disorder of glycosylation. Also called: CDG 2B; MOGS-CDG; CDG IIb; GLUCOSIDASE I DEFICIENCY. Identifiers: Orphanet 79330, MedGen C1853736, MONDO:0011629, OMIM 606056.

Allele frequency attached by ClinVar (database versions not stated): gnomAD exomes 0.00001; gnomAD 0.00002; TOPMed 0.00003; ExAC 0.00006; ESP Exome Variant Server 0.00008.
gnomAD v4.1: 16 of 1,554,958 alleles (0.001%); highest among the groups gnomAD compares: Non-Finnish European, 0.0014%; no homozygotes.

Submissions (2):

Labcorp Genetics (formerly Invitae), Labcorp
Classification: Uncertain significance for MOGS-congenital disorder of glycosylation. Last evaluated: 2022-06-26. Review status: criteria provided, single submitter. Criteria: Invitae Variant Classification Sherloc (09022015). Collection method: clinical testing. Allele origin: germline.
Comment: In summary, the available evidence is currently insufficient to determine the role of this variant in disease. Therefore, it has been classified as a Variant of Uncertain Significance. Algorithms developed to predict the effect of sequence changes on RNA splicing suggest that this variant may create or strengthen a splice site. Algorithms developed to predict the effect of missense changes on protein structure and function (SIFT, PolyPhen-2, Align-GVGD) all suggest that this variant is likely to be tolerated. ClinVar contains an entry for this variant (Variation ID: 581783). This variant has not been reported in the literature in individuals affected with MOGS-related conditions. The frequency data for this variant in the population databases is considered unreliable, as metrics indicate poor data quality at this position in the gnomAD database. This sequence change replaces arginine, which is basic and polar, with glutamine, which is neutral and polar, at codon 69 of the MOGS protein (p.Arg69Gln).

Ambry Genetics
Classification: Uncertain significance for Inborn genetic diseases. Last evaluated: 2021-08-13. Review status: criteria provided, single submitter. Criteria: Ambry Variant Classification Scheme 2023. Collection method: clinical testing. Allele origin: germline.

NM_006302.3(MOGS):c.206G>A (p.Arg69Gln)

Genes: MOGS (mannosyl-oligosaccharide glucosidase; minus strand), LOC129934128 (ATAC-STARR-seq lymphoblastoid silent region 11664; plus strand). Cytogenetic location: 2p13.1.
Variant type: single nucleotide variant.
Coding change: c.206G>A on transcript NM_006302.3 (MANE Select); coding-DNA position 206, G replaced by A.
Protein change: p.Arg69Gln; replaces arginine 69 with glutamine.
Molecular consequence: missense variant. On other transcripts: intron variant (1).
Genome position (GRCh38, 1-based): chr2:74,465,042, C>T on the plus strand (G>A on the coding strand, the complement: MOGS is on the minus strand). VCF-style: chr2-74465042-C-T. GRCh37 (hg19) VCF-style: chr2-74692169-C-T.
Other names: c.206G>A, p.Arg69Gln (LRG_1226t1); c.-58-55G>A (NM_001146158.2); short protein forms R69Q.
Identifiers: ClinVar variation 581783 (VCV000581783.8), dbSNP rs374933674, ClinGen allele CA1725095.